The following is an entry in ClinVar:

ClinVar aggregate classification (germline): Uncertain significance (1 of 4 stars; one submission).

Allele frequency attached by ClinVar (database versions not stated): gnomAD exomes below 0.00001 and 0.00002; ExAC 0.00002.
gnomAD v4.1: 7 of 1,612,964 alleles (0.00043%); highest among the groups gnomAD compares: East Asian, 0.0022%; no homozygotes.

Submission:

Labcorp Genetics (formerly Invitae), Labcorp
Classification: Uncertain significance. Last evaluated: 2021-12-02. Review status: criteria provided, single submitter. Criteria: Invitae Variant Classification Sherloc (09022015). Collection method: clinical testing. Allele origin: germline.
Comment: This sequence change replaces threonine, which is neutral and polar, with alanine, which is neutral and non-polar, at codon 442 of the VPS13A protein (p.Thr442Ala). This variant is present in population databases (rs767220287, gnomAD 0.006%). This variant has not been reported in the literature in individuals affected with VPS13A-related conditions. Algorithms developed to predict the effect of missense changes on protein structure and function output the following: SIFT: "Tolerated"; PolyPhen-2: "Benign"; Align-GVGD: "Class C0". The alanine amino acid residue is found in multiple mammalian species, which suggests that this missense change does not adversely affect protein function. In summary, the available evidence is currently insufficient to determine the role of this variant in disease. Therefore, it has been classified as a Variant of Uncertain Significance.

NM_033305.3(VPS13A):c.1324A>G (p.Thr442Ala)

Gene: VPS13A (vacuolar protein sorting 13 homolog A; plus strand). Cytogenetic location: 9q21.2.
Variant type: single nucleotide variant.
Coding change: c.1324A>G on transcript NM_033305.3 (MANE Select); coding-DNA position 1324, A replaced by G.
Protein change: p.Thr442Ala; replaces threonine 442 with alanine.
Molecular consequence: missense variant.
Genome position (GRCh38, 1-based): chr9:77,226,565, A>G. VCF-style: chr9-77226565-A-G. GRCh37 (hg19) VCF-style: chr9-79841481-A-G.
Other names: c.1324A>G, p.Thr442Ala (NM_001018037.2, NM_001018038.3, NM_015186.4); short protein forms T442A.
Identifiers: ClinVar variation 1524037 (VCV001524037.3), dbSNP rs767220287, ClinGen allele CA5091640.